The following is an entry in ClinVar:

NM_001293298.2(CEMIP):c.967G>A (p.Val323Met)

Gene: CEMIP (cell migration inducing hyaluronidase 1; plus strand). Cytogenetic location: 15q25.1.
Variant type: single nucleotide variant.
Coding change: c.967G>A on transcript NM_001293298.2 (MANE Select); coding-DNA position 967, G replaced by A.
Protein change: p.Val323Met; replaces valine 323 with methionine.
Molecular consequence: missense variant.
Genome position (GRCh38, 1-based): chr15:80,889,473, G>A. VCF-style: chr15-80889473-G-A. GRCh37 (hg19) VCF-style: chr15-81181814-G-A.
Other names: c.967G>A, p.Val323Met (NM_001293304.2, NM_018689.3); short protein forms V323M.
Identifiers: ClinVar variation 724641 (VCV000724641.7), dbSNP rs77954040, ClinGen allele CA7692804.
Genomic context (GRCh38, chr15:80,889,473, plus strand): 5'-TGTGACTTGCCCTCACAGACAACCTCCTGTCTGACTGTGCTGTTTGCTTTCTGCCTAGAC[G>A]TGGAGTGGACGGAGTGGTTCGATCATGATAAAGTATCTCAGACTAAAGGTGGGGAGAAAA-3'
Protein context (NP_001280227.1, residues 313-333): VSLSSEWVQD[Val323Met]EWTEWFDHDK

ClinVar aggregate classification (germline): Benign. Review status: criteria provided, multiple submitters, no conflicts (2 of 4 stars). 3 submissions from 3 submitters: Benign (2). 1 of the submissions does not count toward it. Last evaluated 2019-12-31.

Conditions:
CEMIP-related disorder. Also called: CEMIP-related condition.

Allele frequency attached by ClinVar (database versions not stated): gnomAD exomes 0.00037 and 0.00065; ExAC 0.00078; 1000 Genomes Project 0.00200; gnomAD 0.00214 and 0.00225; ESP Exome Variant Server 0.00223; 1000 Genomes Project 30x 0.00234; TOPMed 0.00234.
gnomAD v4.1: 868 of 1,614,014 alleles (0.054%); highest among the groups gnomAD compares: African/African-American, 0.74%; 6 homozygotes.

Submissions (3):

Labcorp Genetics (formerly Invitae), Labcorp
Classification: Benign. Last evaluated: 2019-12-31. Review status: criteria provided, single submitter. Criteria: Invitae Variant Classification Sherloc (09022015). Collection method: clinical testing. Allele origin: germline.

Breakthrough Genomics
Classification: Benign. Review status: criteria provided, single submitter. Criteria: ACMG Guidelines, 2015. Collection method: not provided. Allele origin: germline. Inheritance: Unknown mechanism. Affected: yes.

PreventionGenetics, part of Exact Sciences
Classification: Likely benign for CEMIP-related condition. Last evaluated: 2019-11-07. Review status: no assertion criteria provided. Collection method: clinical testing. Allele origin: germline. Not counted in ClinVar's aggregate classification.
Comment: This variant is classified as likely benign based on ACMG/AMP sequence variant interpretation guidelines (Richards et al. 2015 PMID: 25741868, with internal and published modifications).